The following is an entry in ClinVar:

ClinVar aggregate classification (germline): Uncertain significance (1 of 4 stars; one submission).

Allele frequency attached by ClinVar (database versions not stated): gnomAD 0.00001.
gnomAD v4.1: 1 of 1,569,696 alleles (0.000064%); highest among the groups gnomAD compares: Non-Finnish European, 0.000087%; no homozygotes.

Submission:

Labcorp Genetics (formerly Invitae), Labcorp
Classification: Uncertain significance. Last evaluated: 2023-05-05. Review status: criteria provided, single submitter. Criteria: Invitae Variant Classification Sherloc (09022015). Collection method: clinical testing. Allele origin: germline.
Comment: This sequence change replaces methionine, which is neutral and non-polar, with lysine, which is basic and polar, at codon 2339 of the ATR protein (p.Met2339Lys). This variant is not present in population databases (gnomAD no frequency). This variant has not been reported in the literature in individuals affected with ATR-related conditions. An algorithm developed to predict the effect of missense changes on protein structure and function (PolyPhen-2) suggests that this variant is likely to be disruptive. In summary, the available evidence is currently insufficient to determine the role of this variant in disease. Therefore, it has been classified as a Variant of Uncertain Significance.

NM_001184.4(ATR):c.7016T>A (p.Met2339Lys)

Gene: ATR (ATR checkpoint kinase; minus strand). Cytogenetic location: 3q23.
Variant type: single nucleotide variant.
Coding change: c.7016T>A on transcript NM_001184.4 (MANE Select); coding-DNA position 7016, T replaced by A.
Protein change: p.Met2339Lys; replaces methionine 2339 with lysine.
Molecular consequence: missense variant.
Genome position (GRCh38, 1-based): chr3:142,465,122, A>T on the plus strand (T>A on the coding strand, the complement: ATR is on the minus strand). VCF-style: chr3-142465122-A-T. GRCh37 (hg19) VCF-style: chr3-142183964-A-T.
Other names: c.6824T>A, p.Met2275Lys (NM_001354579.2); short protein forms M2275K, M2339K.
Identifiers: ClinVar variation 2862189 (VCV002862189.3), dbSNP rs2071098193, ClinGen allele CA354800516.
Genomic context (GRCh38, chr3:142,465,122, plus strand): 5'-TAAATAAATAAAATAAAAGCAAACTATCTCCCAACCTTATTAATCAAGGAATTGAATTCC[A>T]TTAGTCTACAATCCTTTCTCAGGTCATCTTTTGGCTTACACATCATGATGTAGAACTTTC-3'
Protein context (NP_001175.2, residues 2329-2349): KDDLRKDCRL[Met2339Lys]EFNSLINKCL